The following is an entry in ClinVar:

NM_000390.4(CHM):c.521T>C (p.Val174Ala)

Gene: CHM (CHM Rab escort protein; minus strand). Cytogenetic location: Xq21.2.
Variant type: single nucleotide variant.
Coding change: c.521T>C on transcript NM_000390.4 (MANE Select); coding-DNA position 521, T replaced by C.
Protein change: p.Val174Ala; replaces valine 174 with alanine.
Molecular consequence: missense variant.
Genome position (GRCh38, 1-based): chrX:85,963,846, A>G on the plus strand (T>C on the coding strand, the complement: CHM is on the minus strand). VCF-style: chrX-85963846-A-G. GRCh37 (hg19) VCF-style: chrX-85218851-A-G.
Other names: c.77T>C, p.Val26Ala (NM_001320959.1, NM_001362517.1, NM_001362518.2 and 1 more transcripts); short protein forms V174A, V26A.
Identifiers: ClinVar variation 2153502 (VCV002153502.1), dbSNP rs1930426276, ClinGen allele CA413786907.
Genomic context (GRCh38, chrX:85,963,846, plus strand): 5'-TCTGCTGAAGTTGATGGCACACAAGTTTTATCATCACAATGGTTTTCTTTTTCCCCTGTC[A>G]CTTCAGCACCATTTACTTCTAGCGCATTCTCTGGATCGCTGCTTGGAGTTTGTTCTGTGA-3'
Protein context (NP_000381.1, residues 164-184): ENALEVNGAE[Val174Ala]TGEKENHCDD

ClinVar aggregate classification (germline): Uncertain significance (1 of 4 stars; one submission).

Allele frequency attached by ClinVar (database versions not stated): gnomAD exomes below 0.00001; TOPMed 0.00001.
gnomAD v4.1: 1 of 1,211,177 alleles (0.000083%); highest among the groups gnomAD compares: Non-Finnish European, 0.00011%; no homozygotes.

Submission:

Labcorp Genetics (formerly Invitae), Labcorp
Classification: Uncertain significance. Last evaluated: 2022-10-13. Review status: criteria provided, single submitter. Criteria: Invitae Variant Classification Sherloc (09022015). Collection method: clinical testing. Allele origin: germline.
Comment: This sequence change replaces valine, which is neutral and non-polar, with alanine, which is neutral and non-polar, at codon 174 of the CHM protein (p.Val174Ala). This variant is not present in population databases (gnomAD no frequency). This variant has not been reported in the literature in individuals affected with CHM-related conditions. Algorithms developed to predict the effect of missense changes on protein structure and function output the following: SIFT: "Tolerated"; PolyPhen-2: "Benign"; Align-GVGD: "Class C0". The alanine amino acid residue is found in multiple mammalian species, which suggests that this missense change does not adversely affect protein function. In summary, the available evidence is currently insufficient to determine the role of this variant in disease. Therefore, it has been classified as a Variant of Uncertain Significance.